The following is an entry in ClinVar:

GRCh37/hg19 12q24.31(chr12:120829779-121489188)x1

Genes: ACADS (acyl-CoA dehydrogenase short chain; plus strand), C12orf43 (chromosome 12 open reading frame 43; minus strand), CABP1 (calcium binding protein 1; plus strand), COQ5 (coenzyme Q5, methyltransferase; minus strand), COX6A1 (cytochrome c oxidase subunit 6A1; plus strand) and 11 more. Cytogenetic location: 12q24.31.
Variant type: copy number loss.
Change: copy number 1 (one copy instead of two) of chr12:120,829,779-121,489,188 (659.4 kb, GRCh37 coordinates, 1-based), cytogenetic band 12q24.31.
Identifiers: ClinVar variation 4682807 (VCV004682807.1).

ClinVar aggregate classification (germline): Pathogenic (1 of 4 stars; one submission).

Submission:

Quest Diagnostics Nichols Institute San Juan Capistrano
Classification: Pathogenic. Last evaluated: 2025-04-10. Review status: criteria provided, single submitter. Criteria: ACMG/ClinGen CNV Guidelines, 2019. Collection method: clinical testing. Allele origin: unknown.
Comment: This 12q24.31 deletion involves at least 16 protein-coding genes, including HNF1A (OMIM 142410). Haploinsufficiency of HNF1A is associated with autosomal dominant maturity-onset diabetes of the young type 3 (MODY3; CCID:007288; OMIM 600496; Naylor 2024). There are no similar copy number losses of this region in the general populations of the Database of Genomic Variants. Thus, based on current medical literature and gene content, this copy number variant (CNV) is classified as pathogenic. References: Naylor et al., GeneReviews [2024 May 18]. PMID: 29792621